The following is an entry in ClinVar:

ClinVar aggregate classification (germline): Uncertain significance (1 of 4 stars; one submission).

Submission:

GeneDx
Classification: Uncertain significance. Last evaluated: 2025-01-04. Review status: criteria provided, single submitter. Criteria: GeneDx Variant Classification Process June 2021. Collection method: clinical testing. Allele origin: germline. Affected: yes.
Comment: Not observed at significant frequency in large population cohorts (gnomAD); In silico analysis supports that this missense variant has a deleterious effect on protein structure/function; Has not been previously published as pathogenic or benign to our knowledge

NM_022124.6(CDH23):c.3698C>A (p.Ala1233Asp)

Genes: C10orf105 (chromosome 10 open reading frame 105; minus strand), CDH23 (cadherin related 23; plus strand). Cytogenetic location: 10q22.1.
Variant type: single nucleotide variant.
Coding change: c.3698C>A on transcript NM_022124.6 (MANE Select); coding-DNA position 3698, C replaced by A.
Protein change: p.Ala1233Asp; replaces alanine 1233 with aspartic acid.
Molecular consequence: missense variant. On other transcripts: intron variant (1).
Genome position (GRCh38, 1-based): chr10:71,730,587, C>A. VCF-style: chr10-71730587-C-A. GRCh37 (hg19) VCF-style: chr10-73490344-C-A.
Other names: c.3698C>A, p.Ala1233Asp (NM_001171930.2); c.-6+7141G>T (NM_001168390.2); short protein forms A1233D.
Identifiers: ClinVar variation 4055912 (VCV004055912.1).